The following is an entry in ClinVar:

NC_000003.12:g.48301602AAGCCGGCCTGGGCGCCCTCGG[5]

Gene: LOC129936696 (ATAC-STARR-seq lymphoblastoid silent region 14325; plus strand). Cytogenetic location: 3p21.31.
Variant type: Microsatellite.
Genome position: GRCh38, VCF-style position (the base before the change): chr3:48,301,594. GRCh37 (hg19), VCF-style position (the base before the change): chr3:48,343,084.
Identifiers: ClinVar variation 2653785 (VCV002653785.21), dbSNP rs545651716, ClinGen allele CA542776391.

ClinVar aggregate classification (germline): Likely benign (1 of 4 stars; one submission).

Submission:

CeGaT Center for Human Genetics Tuebingen
Classification: Likely benign. Last evaluated: 2023-04-01. Review status: criteria provided, single submitter. Criteria: CeGaT Center For Human Genetics Tuebingen Variant Classification Criteria Version 2. Collection method: clinical testing. Allele origin: germline. Affected: yes. Observed: 1 variant allele.
Comment: ENSG00000289043: BS2